The following is an entry in ClinVar:

ClinVar aggregate classification (germline): Uncertain significance (1 of 4 stars; one submission).

Conditions:
Dilated cardiomyopathy 1HH (CMD1HH). Identifiers: Orphanet 154, MedGen C3151293, MONDO:0013479, OMIM 613881.
Myofibrillar myopathy 6. Identifiers: Orphanet 199340, MedGen C2751831, MONDO:0013061, OMIM 612954.

Allele frequency attached by ClinVar (database versions not stated): TOPMed below 0.00001; gnomAD 0.00001.
gnomAD v4.1: 2 of 1,614,026 alleles (0.00012%); highest among the groups gnomAD compares: African/African-American, 0.0013%; no homozygotes.

Submission:

Labcorp Genetics (formerly Invitae), Labcorp
Classification: Uncertain significance for Dilated cardiomyopathy 1HH; Myofibrillar myopathy 6. Last evaluated: 2025-08-18. Review status: criteria provided, single submitter. Criteria: Invitae Variant Classification Sherloc (09022015). Collection method: clinical testing. Allele origin: germline.
Comment: This sequence change replaces aspartic acid, which is acidic and polar, with glutamic acid, which is acidic and polar, at codon 469 of the BAG3 protein (p.Asp469Glu). This variant is not present in population databases (gnomAD no frequency). This variant has not been reported in the literature in individuals affected with BAG3-related conditions. ClinVar contains an entry for this variant (Variation ID: 1364788). Invitae Evidence Modeling of protein sequence and biophysical properties (such as structural, functional, and spatial information, amino acid conservation, physicochemical variation, residue mobility, and thermodynamic stability) indicates that this missense variant is not expected to disrupt BAG3 protein function with a negative predictive value of 80%. In summary, the available evidence is currently insufficient to determine the role of this variant in disease. Therefore, it has been classified as a Variant of Uncertain Significance.

NM_004281.4(BAG3):c.1407C>A (p.Asp469Glu)

Gene: BAG3 (BAG cochaperone 3; plus strand). Cytogenetic location: 10q26.11.
Variant type: single nucleotide variant.
Coding change: c.1407C>A on transcript NM_004281.4 (MANE Select); coding-DNA position 1407, C replaced by A.
Protein change: p.Asp469Glu; replaces aspartic acid 469 with glutamic acid.
Molecular consequence: missense variant.
Genome position (GRCh38, 1-based): chr10:119,676,961, C>A. VCF-style: chr10-119676961-C-A. GRCh37 (hg19) VCF-style: chr10-121436473-C-A.
Other names: short protein forms D469E.
Identifiers: ClinVar variation 1364788 (VCV001364788.6), dbSNP rs1381722756, ClinGen allele CA378297259.
Genomic context (GRCh38, chr10:119,676,961, plus strand): 5'-AAAGTACCTGATGATCGAAGAGTATTTGACCAAAGAGCTGCTGGCCCTGGATTCAGTGGA[C>A]CCCGAGGGACGAGCCGATGTGCGTCAGGCCAGGAGAGACGGTGTCAGGAAGGTTCAGACC-3'
Protein context (NP_004272.2, residues 459-479): TKELLALDSV[Asp469Glu]PEGRADVRQA